The following is an entry in ClinVar:

NM_000038.6(APC):c.2078A>C (p.Lys693Thr)

Gene: APC (APC regulator of Wnt signaling pathway; plus strand). Cytogenetic location: 5q22.2.
Variant type: single nucleotide variant.
Coding change: c.2078A>C on transcript NM_000038.6 (MANE Select); coding-DNA position 2078, A replaced by C.
Protein change: p.Lys693Thr; replaces lysine 693 with threonine.
Molecular consequence: missense variant. On other transcripts: non-coding transcript variant (2).
Genome position (GRCh38, 1-based): chr5:112,837,672, A>C. VCF-style: chr5-112837672-A-C. GRCh37 (hg19) VCF-style: chr5-112173369-A-C.
Other names: c.1829A>C, p.Lys610Thr (NM_001407456.1, NM_001407457.1, NM_001407454.1 and 1 more transcripts); c.1775A>C, p.Lys592Thr (NM_001407458.1, NM_001407459.1, NM_001407460.1 and 1 more transcripts); c.1691A>C, p.Lys564Thr (NM_001407467.1, NM_001407469.1); c.1229A>C, p.Lys410Thr (NM_001407470.1, NM_001354906.2); c.926A>C, p.Lys309Thr (NM_001407471.1, NM_001407472.1); c.2003A>C, p.Lys668Thr (NM_001354898.2); c.1994A>C, p.Lys665Thr (NM_001354899.2); c.1955A>C, p.Lys652Thr (NM_001354900.2); and 11 more; short protein forms K567T, K668T, K675T, K693T, K703T, K410T, K602T, K665T.
Identifiers: ClinVar variation 4825062 (VCV004825062.1).
Genomic context (GRCh38, chr5:112,837,672, plus strand): 5'-GTTTGACAATAGTCAGTAATGCATGTGGAACTTTGTGGAATCTCTCAGCAAGAAATCCTA[A>C]AGACCAGGAAGCATTATGGGACATGGGGGCAGTTAGCATGCTCAAGAACCTCATTCATTC-3'
Protein context (NP_000029.2, residues 683-703): TLWNLSARNP[Lys693Thr]DQEALWDMGA

ClinVar aggregate classification (germline): Uncertain significance (1 of 4 stars; one submission).

Conditions:
Hereditary cancer-predisposing syndrome. Also called: Neoplastic Syndromes, Hereditary; Tumor predisposition; Hereditary Cancer Syndrome; Hereditary neoplastic syndrome. Identifiers: Orphanet 140162, MedGen C0027672, MeSH D009386, MONDO:0015356.

Submission:

Ambry Genetics
Classification: Uncertain significance for Hereditary cancer-predisposing syndrome. Last evaluated: 2026-02-20. Review status: criteria provided, single submitter. Criteria: Ambry Variant Classification Scheme 2023. Collection method: clinical testing. Allele origin: germline.
Comment: The p.K693T variant (also known as c.2078A>C), located in coding exon 15 of the APC gene, results from an A to C substitution at nucleotide position 2078. The lysine at codon 693 is replaced by threonine, an amino acid with similar properties. This amino acid position is conserved. In addition, in silico predictors for this gene do not accurately predict pathogenicity. Based on the available evidence, the clinical significance of this variant remains unclear.